The following is an entry in ClinVar:

NM_013339.4(ALG6):c.506_507del (p.Val169fs)

Gene: ALG6 (ALG6 alpha-1,3-glucosyltransferase; plus strand). Cytogenetic location: 1p31.3.
Variant type: Microsatellite.
Coding change: c.506_507del on transcript NM_013339.4 (MANE Select); coding-DNA positions 506 to 507, 2 bases deleted (TG; older notation c.506_507delTG).
Protein change: p.Val169fs; shifts the reading frame from valine 169.
Molecular consequence: frameshift variant.
Genome position (GRCh38, 1-based): chr1:63,411,157-63,411,158, TG deleted; deleting any 2 consecutive bases within chr1:63,411,155-63,411,158 gives the same sequence; the c. name uses the placement nearest the transcript's 3' end. VCF-style (leftmost placement, unchanged base first): chr1-63411154-CTG-C. GRCh37 (hg19) VCF-style: chr1-63876825-CTG-C.
Other names: short protein forms V169fs.
Identifiers: ClinVar variation 1407854 (VCV001407854.6), dbSNP rs1274913587, ClinGen allele CA523556657.

ClinVar aggregate classification (germline): Pathogenic/Likely pathogenic. Review status: criteria provided, multiple submitters, no conflicts (2 of 4 stars). 2 submissions from 2 submitters: Pathogenic (1); Likely pathogenic (1). Last evaluated 2024-01-25.

Conditions:
ALG6-congenital disorder of glycosylation 1C (CDG1C). Also called: CARBOHYDRATE-DEFICIENT GLYCOPROTEIN SYNDROME, TYPE I, WITH DEFICIENT GLYCOSYLATION OF DOLICHOL-LINKED OLIGOSACCHARIDE; CARBOHYDRATE-DEFICIENT GLYCOPROTEIN SYNDROME, TYPE V; Congenital disorder of glycosylation type 1C; Congenital disorder of glycosylation, type Ic; CDG Ic. Identifiers: Orphanet 79320, MedGen C2930997, MONDO:0011291, OMIM 603147.

Submissions (2):

Labcorp Genetics (formerly Invitae), Labcorp
Classification: Pathogenic for ALG6-congenital disorder of glycosylation 1C. Last evaluated: 2024-01-25. Review status: criteria provided, single submitter. Criteria: Invitae Variant Classification Sherloc (09022015). Collection method: clinical testing. Allele origin: germline.
Comment: This sequence change creates a premature translational stop signal (p.Val169Glufs*15) in the ALG6 gene. It is expected to result in an absent or disrupted protein product. Loss-of-function variants in ALG6 are known to be pathogenic (PMID: 19862844). This variant is present in population databases (no rsID available, gnomAD 0.007%). This variant has not been reported in the literature in individuals affected with ALG6-related conditions. For these reasons, this variant has been classified as Pathogenic.

Baylor Genetics
Classification: Likely pathogenic for ALG6-congenital disorder of glycosylation 1C. Last evaluated: 2021-12-15. Review status: criteria provided, single submitter. Criteria: ACMG Guidelines, 2015. Collection method: clinical testing. Allele origin: unknown.

Literature cited by the submitters: PubMed 19862844 (cited by Labcorp Genetics (formerly Invitae), Labcorp).